The following is an entry in ClinVar:

NM_003126.4(SPTA1):c.3472C>T (p.Arg1158Trp)

Gene: SPTA1 (spectrin alpha, erythrocytic 1; minus strand). Cytogenetic location: 1q23.1.
Variant type: single nucleotide variant.
Coding change: c.3472C>T on transcript NM_003126.4 (MANE Select); coding-DNA position 3472, C replaced by T.
Protein change: p.Arg1158Trp; replaces arginine 1158 with tryptophan.
Molecular consequence: missense variant.
Genome position (GRCh38, 1-based): chr1:158,651,372, G>A on the plus strand (C>T on the coding strand, the complement: SPTA1 is on the minus strand). VCF-style: chr1-158651372-G-A. GRCh37 (hg19) VCF-style: chr1-158621162-G-A.
Other names: p.Arg1158Trp; short protein forms R1158W.
Identifiers: ClinVar variation 742515 (VCV000742515.10), dbSNP rs374770895, ClinGen allele CA1183053.

ClinVar aggregate classification (germline): Conflicting classifications of pathogenicity. Review status: criteria provided, conflicting classifications (1 of 4 stars). 5 submissions from 5 submitters: Uncertain significance (3); Likely benign (2). Last evaluated 2025-08-17.

Conditions:
SPTA1-related disorder. Also called: SPTA1-related disorders; SPTA1-related condition.
Elliptocytosis 2 (EL2). Also called: ELLIPTOCYTOSIS, RHESUS-UNLINKED TYPE. Identifiers: Orphanet 288, MedGen C1851741, MONDO:0007533, OMIM 130600.
Hereditary spherocytosis type 3. Also called: SPTA1-Related Spherocytosis; Spherocytosis type 3. Identifiers: Orphanet 822, MedGen C2678338, MONDO:0010053, OMIM 270970.
Pyropoikilocytosis, hereditary. Also called: Pyropoikilocytosis. Identifiers: MedGen C0520739, MONDO:0009948, OMIM 266140, HP:0004839. Disease mechanism: loss of function.

Allele frequency attached by ClinVar (database versions not stated): gnomAD 0.00004 and 0.00019; ESP Exome Variant Server 0.00008; TOPMed 0.00009; gnomAD exomes 0.00036; 1000 Genomes Project 0.00040; ExAC 0.00041; 1000 Genomes Project 30x 0.00078.
gnomAD v4.1: 316 of 1,612,030 alleles (0.02%); highest among the groups gnomAD compares: South Asian, 0.31%; 4 homozygotes.

Submissions (5):

Labcorp Genetics (formerly Invitae), Labcorp
Classification: Likely benign. Last evaluated: 2025-08-17. Review status: criteria provided, single submitter. Criteria: Invitae Variant Classification Sherloc (09022015). Collection method: clinical testing. Allele origin: germline.

PreventionGenetics, part of Exact Sciences
Classification: Likely benign for SPTA1-related condition. Last evaluated: 2025-05-01. Review status: criteria provided, single submitter. Criteria: ACMG Guidelines, 2015. Collection method: clinical testing. Allele origin: germline.
Comment: This variant is classified as likely benign based on ACMG/AMP sequence variant interpretation guidelines (Richards et al. 2015 PMID: 25741868, with internal and published modifications).

Mayo Clinic Laboratories, Mayo Clinic
Classification: Uncertain significance. Last evaluated: 2025-04-03. Review status: criteria provided, single submitter. Criteria: ACMG Guidelines, 2015. Collection method: clinical testing. Allele origin: germline. Observed: 1 variant allele.
Comment: BP4

ARUP Laboratories, Molecular Genetics and Genomics, ARUP Laboratories
Classification: Uncertain significance. Last evaluated: 2024-04-25. Review status: criteria provided, single submitter. Criteria: ARUP Molecular Germline Variant Investigation Process 2024. Collection method: clinical testing. Allele origin: germline.

Department of Pathology and Laboratory Medicine, Sinai Health System
Classification: Uncertain significance for Elliptocytosis 2; Pyropoikilocytosis, hereditary; Hereditary spherocytosis type 3. Last evaluated: 2020-07-21. Review status: criteria provided, single submitter. Criteria: ACMG Guidelines, 2015. Collection method: research. Allele origin: germline.